The following is an entry in ClinVar:

NM_022114.4(PRDM16):c.2988G>T (p.Arg996=)

Gene: PRDM16 (PR/SET domain 16; plus strand). Cytogenetic location: 1p36.32.
Variant type: single nucleotide variant.
Coding change: c.2988G>T on transcript NM_022114.4 (MANE Select); coding-DNA position 2988, G replaced by T.
Protein change: p.Arg996=; no amino-acid change (arginine 996 retained).
Molecular consequence: synonymous variant.
Genome position (GRCh38, 1-based): chr1:3,425,629, G>T. VCF-style: chr1-3425629-G-T. GRCh37 (hg19) VCF-style: chr1-3342193-G-T.
Other names: c.2988G>T, p.Arg996= (NM_199454.3).
Identifiers: ClinVar variation 3067574 (VCV003067574.23), dbSNP rs1349091591, ClinGen allele CA415536795.

ClinVar aggregate classification (germline): Likely benign. Review status: criteria provided, multiple submitters, no conflicts (2 of 4 stars). 2 submissions from 2 submitters: Likely benign (2). Last evaluated 2024-03-19.

Conditions:
Left ventricular noncompaction 8 (LVNC8). Identifiers: Orphanet 154, Orphanet 54260, MedGen C3809288, MONDO:0014152, OMIM 615373.

Allele frequency attached by ClinVar (database versions not stated): gnomAD exomes below 0.00001; TOPMed 0.00001.
gnomAD v4.1: 5 of 1,613,920 alleles (0.00031%); highest among the groups gnomAD compares: African/African-American, 0.0013%; no homozygotes.

Submissions (2):

Labcorp Genetics (formerly Invitae), Labcorp
Classification: Likely benign for Left ventricular noncompaction 8. Last evaluated: 2024-03-19. Review status: criteria provided, single submitter. Criteria: Invitae Variant Classification Sherloc (09022015). Collection method: clinical testing. Allele origin: germline.

CeGaT Center for Human Genetics Tuebingen
Classification: Likely benign. Last evaluated: 2024-03-01. Review status: criteria provided, single submitter. Criteria: CeGaT Center For Human Genetics Tuebingen Variant Classification Criteria Version 2. Collection method: clinical testing. Allele origin: germline. Affected: yes. Observed: 1 variant allele.
Comment: PRDM16: BP4